The following is an entry in ClinVar:

ClinVar aggregate classification (germline): Uncertain significance (1 of 4 stars; one submission).

Conditions:
Beta-D-mannosidosis (MANSB). Also called: BETA-MANNOSIDASE DEFICIENCY; LYSOSOMAL BETA-MANNOSIDASE DEFICIENCY; Beta-Mannosidosis; MANNOSIDOSIS, BETA A, LYSOSOMAL. Identifiers: Orphanet 118, MedGen C4048196, MONDO:0009562, OMIM 248510.

Submission:

Labcorp Genetics (formerly Invitae), Labcorp
Classification: Uncertain significance for Beta-D-mannosidosis. Last evaluated: 2018-01-13. Review status: criteria provided, single submitter. Criteria: Invitae Variant Classification Sherloc (09022015). Collection method: clinical testing. Allele origin: germline.
Comment: In summary, this variant has uncertain impact on MANBA function. The available evidence is currently insufficient to determine its role in disease. Therefore, it has been classified as a Variant of Uncertain Significance. Algorithms developed to predict the effect of missense changes on protein structure and function do not agree on the potential impact of this missense change (SIFT: "Tolerated"; PolyPhen-2: "Probably Damaging"; Align-GVGD: "Class C0"). This variant has not been reported in the literature in individuals with a MANBA-related disease. This variant is not present in population databases (ExAC no frequency). This sequence change replaces valine with isoleucine at codon 44 of the MANBA protein (p.Val44Ile). The valine residue is moderately conserved and there is a small physicochemical difference between valine and isoleucine.

NM_005908.4(MANBA):c.130G>A (p.Val44Ile)

Genes: MANBA (mannosidase beta; minus strand), LOC129992886 (ATAC-STARR-seq lymphoblastoid active region 21757; plus strand). Cytogenetic location: 4q24.
Variant type: single nucleotide variant.
Coding change: c.130G>A on transcript NM_005908.4 (MANE Select); coding-DNA position 130, G replaced by A.
Protein change: p.Val44Ile; replaces valine 44 with isoleucine.
Molecular consequence: missense variant.
Genome position (GRCh38, 1-based): chr4:102,760,765, C>T on the plus strand (G>A on the coding strand, the complement: MANBA is on the minus strand). VCF-style: chr4-102760765-C-T. GRCh37 (hg19) VCF-style: chr4-103681922-C-T.
Other names: short protein forms V44I.
Identifiers: ClinVar variation 475411 (VCV000475411.5), dbSNP rs1432738569, ClinGen allele CA357961463.